The following is an entry in ClinVar:

ClinVar aggregate classification (germline): Pathogenic/Likely pathogenic. Review status: criteria provided, multiple submitters, no conflicts (2 of 4 stars). 3 submissions from 3 submitters: Pathogenic (1); Likely pathogenic (1). 1 of the submissions does not count toward it. Last evaluated 2025-04-30.

Conditions:
Renal cysts and diabetes syndrome (RCAD). Also called: Familial hypoplastic, glomerulocystic kidney; MATURITY-ONSET DIABETES OF THE YOUNG, TYPE 5. Identifiers: Orphanet 93111, MedGen C0431693, MONDO:0007669, OMIM 137920.
HNF1B-related disorder. Also called: HNF1B-related condition; HNF1B-related disorders.

Submissions (3):

Victorian Clinical Genetics Services, Murdoch Childrens Research Institute
Classification: Pathogenic for Renal cysts and diabetes syndrome. Last evaluated: 2025-04-30. Review status: criteria provided, single submitter. Criteria: ACMG Guidelines, 2015. Collection method: clinical testing. Allele origin: germline. Affected: yes.
Comment: This variant is classified as Pathogenic. Evidence in support of pathogenic classification: Variant is predicted to cause nonsense-mediated decay (NMD) and loss of protein (premature termination codon is located at least 54 nucleotides upstream of the final exon-exon junction); Variant is absent from gnomAD (both v2 and v3); Other NMD predicted variants comparable to the one identified in this case have very strong previous evidence for pathogenicity (DECIPHER); Additional information: This variant is heterozygous; This gene is associated with autosomal dominant disease; This variant has no previous evidence of pathogenicity; No published segregation evidence has been identified for this variant; No published functional evidence has been identified for this variant; Dominant negative, loss of function, and gain of function are all reported mechanisms of disease in this gene and are associated with type 2 diabetes mellitus (MIM#125853) and renal cysts and diabetes syndrome (MIM#137920; OMIM, PMIDs: 25536396, 11845238, 15509593); Variants in this gene are known to have variable expressivity. There is significant interfamilial and intrafamilial variability of HNF1B-related nephropathy (PMID: 33305128).

Blueprint Genetics
Classification: Likely pathogenic for HNF1B-related disorders. Last evaluated: 2019-07-08. Review status: criteria provided, single submitter. Criteria: ACMG Guidelines, 2015. Collection method: clinical testing. Allele origin: germline. Affected: yes. Observed: 1 variant allele.

Gharavi Laboratory, Columbia University
Classification: Likely pathogenic for Renal cysts and diabetes syndrome. Last evaluated: 2024-11-05. Review status: no assertion criteria provided. Criteria: ACMG Guidelines, 2015. Collection method: case-control. Allele origin: germline. Affected: yes. Not counted in ClinVar's aggregate classification.

Literature cited by the submitters: PubMed 11845238 (cited by Victorian Clinical Genetics Services, Murdoch Childrens Research Institute); PubMed 15509593 (cited by Victorian Clinical Genetics Services, Murdoch Childrens Research Institute); PubMed 25536396 (cited by Victorian Clinical Genetics Services, Murdoch Childrens Research Institute); PubMed 33305128 (cited by Victorian Clinical Genetics Services, Murdoch Childrens Research Institute).

NM_000458.4(HNF1B):c.370del (p.Lys123_Met124insTer)

Gene: HNF1B (HNF1 homeobox B; minus strand). Cytogenetic location: 17q12.
Variant type: Deletion.
Coding change: c.370del on transcript NM_000458.4 (MANE Select); coding-DNA position 370, one base deleted (A; older notation c.370delA).
Protein change: p.Lys123_Met124insTer.
Molecular consequence: nonsense.
Genome position (GRCh38, 1-based): chr17:37,739,614, T deleted on the plus strand (A on the coding strand, the reverse complement: HNF1B is on the minus strand); the first of 4 consecutive T bases (chr17:37,739,614-37,739,617); deleting any one gives the same sequence. VCF-style (leftmost placement, unchanged base first): chr17-37739613-AT-A. GRCh37 (hg19) VCF-style: chr17-36099604-AT-A.
Other names: c.370delA (NM_000458.4); c.370del, p.Lys123_Met124insTer (NM_001165923.4, NM_001304286.2, NM_001411100.1).
Identifiers: ClinVar variation 3254996 (VCV003254996.5), dbSNP rs2511829909.